The following is an entry in ClinVar:

NM_032237.5(POMK):c.459del (p.Pro153_Leu154insTer)

Gene: POMK (protein O-mannose kinase; plus strand). Cytogenetic location: 8p11.21.
Variant type: Deletion.
Coding change: c.459del on transcript NM_032237.5 (MANE Select); coding-DNA position 459, one base deleted (T; older notation c.459delT).
Protein change: p.Pro153_Leu154insTer.
Molecular consequence: frameshift variant.
Genome position (GRCh38, 1-based): chr8:43,122,283, T deleted. VCF-style (leftmost placement, unchanged base first): chr8-43122282-CT-C. GRCh37 (hg19) VCF-style: chr8-42977425-CT-C.
Other names: c.459del, p.Pro153_Leu154insTer (NM_001277971.2).
Identifiers: ClinVar variation 2926947 (VCV002926947.3), dbSNP rs781088854, ClinGen allele CA4736289.

ClinVar aggregate classification (germline): Pathogenic (1 of 4 stars; one submission).

Conditions:
Limb-girdle muscular dystrophy due to POMK deficiency. Also called: MUSCULAR DYSTROPHY-DYSTROGLYCANOPATHY, LIMB-GIRDLE, POMK-RELATED; Muscular dystrophy-dystroglycanopathy (limb-girdle), type c, 12. Identifiers: Orphanet 445110, MedGen C4015184, MONDO:0014489, OMIM 616094.
Muscular dystrophy-dystroglycanopathy (congenital with brain and eye anomalies), type a, 12 (MDDGA12). Also called: WALKER-WARBURG SYNDROME OR MUSCLE-EYE-BRAIN DISEASE, POMK-RELATED. Identifiers: Orphanet 899, MedGen C3808964, MONDO:0014101, OMIM 615249.

Allele frequency attached by ClinVar (database versions not stated): gnomAD exomes below 0.00001; TOPMed below 0.00001; ExAC 0.00001; gnomAD 0.00001.

Submission:

Labcorp Genetics (formerly Invitae), Labcorp
Classification: Pathogenic for Muscular dystrophy-dystroglycanopathy (congenital with brain and eye anomalies), type a, 12; Limb-girdle muscular dystrophy due to POMK deficiency. Last evaluated: 2024-12-18. Review status: criteria provided, single submitter. Criteria: Invitae Variant Classification Sherloc (09022015). Collection method: clinical testing. Allele origin: germline.
Comment: This sequence change creates a premature translational stop signal (p.Leu154*) in the POMK gene. While this is not anticipated to result in nonsense mediated decay, it is expected to disrupt the last 199 amino acid(s) of the POMK protein. This variant is present in population databases (rs781088854, gnomAD 0.007%). This variant has not been reported in the literature in individuals affected with POMK-related conditions. ClinVar contains an entry for this variant (Variation ID: 2926947). This variant disrupts a region of the POMK protein in which other variant(s) (p.Arg303*) have been determined to be pathogenic (internal data). This suggests that this is a clinically significant region of the protein, and that variants that disrupt it are likely to be disease-causing. For these reasons, this variant has been classified as Pathogenic.